The following is an entry in ClinVar:

NM_001257096.2(PAX1):c.238CACCCCGGC[3] (p.80HPG[3])

Gene: PAX1 (paired box 1; plus strand). Cytogenetic location: 20p11.22.
Variant type: Microsatellite.
Coding change: c.238CACCCCGGC[3] on transcript NM_001257096.2 (MANE Select); three copies in a row of the 9-base unit CACCCCGGC starting at c.238; the reference has two copies in a row; one copy, 9 bases duplicated.
Protein change: p.80HPG[3].
Molecular consequence: inframe insertion.
Genome position (GRCh38, 1-based): chr20:21,705,959-21,705,967, CACCCCGGC duplicated; duplicating any 9 consecutive bases within chr20:21,705,943-21,705,967 gives the same sequence; the position shown is the placement nearest the transcript's 3' end. VCF-style (leftmost placement, unchanged base first): chr20-21705942-G-GCCCCGGCCA. GRCh37 (hg19) VCF-style: chr20-21686580-G-GCCCCGGCCA.
Other names: c.238CACCCCGGC[3], p.80HPG[3] (NM_006192.5).
Identifiers: ClinVar variation 1497388 (VCV001497388.4), dbSNP rs747584250, ClinGen allele CA9786398.

ClinVar aggregate classification (germline): Uncertain significance (1 of 4 stars; one submission).

Submission:

Labcorp Genetics (formerly Invitae), Labcorp
Classification: Uncertain significance. Last evaluated: 2026-01-12. Review status: criteria provided, single submitter. Criteria: Invitae Variant Classification Sherloc (09022015). Collection method: clinical testing. Allele origin: germline.
Comment: This variant, c.247_255dup, results in the insertion of 3 amino acid(s) of the PAX1 protein (p.His83_Gly85dup), but otherwise preserves the integrity of the reading frame. This variant is present in population databases (rs747584250, gnomAD 0.2%). This variant has not been reported in the literature in individuals affected with PAX1-related conditions. Experimental studies and prediction algorithms are not available or were not evaluated, and the functional significance of this variant is currently unknown. In summary, the available evidence is currently insufficient to determine the role of this variant in disease. Therefore, it has been classified as a Variant of Uncertain Significance.